The following is an entry in ClinVar:

NM_013314.4(BLNK):c.1031del (p.Lys344fs)

Genes: BLNK (B cell linker; minus strand), ZNF518A (zinc finger protein 518A; plus strand). Cytogenetic location: 10q24.1.
Variant type: Deletion.
Coding change: c.1031del on transcript NM_013314.4 (MANE Select); coding-DNA position 1031, one base deleted (A; older notation c.1031delA).
Protein change: p.Lys344fs; shifts the reading frame from lysine 344.
Molecular consequence: frameshift variant. On other transcripts: non-coding transcript variant (4).
Genome position (GRCh38, 1-based): chr10:96,200,139, T deleted on the plus strand (A on the coding strand, the reverse complement: BLNK is on the minus strand); the first of 2 consecutive T bases (chr10:96,200,139-96,200,140); deleting either gives the same sequence. VCF-style (leftmost placement, unchanged base first): chr10-96200138-CT-C. GRCh37 (hg19) VCF-style: chr10-97959894-CT-C.
Other names: c.962del, p.Lys321fs (NM_001114094.2, NM_001258441.2); c.1031del, p.Lys344fs (NM_001258440.2); c.716del, p.Lys239fs (NM_001258442.2); short protein forms K239fs, K321fs, K344fs.
Identifiers: ClinVar variation 1075117 (VCV001075117.7), dbSNP rs2133946382, ClinGen allele CA2499220512.
Genomic context (GRCh38, chr10:96,200,138, plus strand): 5'-GTTTGATCTGTGCAATGCCTCTTCAGCAGACTTTCGATCACAGGCTCCAGCATACCATGG[CT>C]TGCAGAGAACGCCAGCTTCCTGTGAAATGGAGGGCACTGGTCAGCATGGGATGGTCCCTA-3'

ClinVar aggregate classification (germline): Pathogenic (1 of 4 stars; one submission).

Conditions:
Agammaglobulinemia 4, autosomal recessive (AGM4). Also called: B cell linker protein deficiency; AGAMMAGLOBULINEMIA, AUTOSOMAL RECESSIVE, DUE TO BLNK DEFECT. Identifiers: MedGen C3150752, MONDO:0013289, OMIM 613502.

Submission:

Labcorp Genetics (formerly Invitae), Labcorp
Classification: Pathogenic for Agammaglobulinemia 4, autosomal recessive. Last evaluated: 2020-02-11. Review status: criteria provided, single submitter. Criteria: Invitae Variant Classification Sherloc (09022015). Collection method: clinical testing. Allele origin: germline.
Comment: For these reasons, this variant has been classified as Pathogenic. Loss-of-function variants in BLNK are known to be pathogenic (PMID: 10583958, 24582315). This variant has not been reported in the literature in individuals with BLNK-related conditions. This variant is not present in population databases (ExAC no frequency). This sequence change creates a premature translational stop signal (p.Lys344Serfs*42) in the BLNK gene. It is expected to result in an absent or disrupted protein product.

Literature cited by the submitters: PubMed 10583958; PubMed 24582315.